The following is an entry in ClinVar:

NM_001023.4(RPS20):c.46G>A (p.Ala16Thr)

Gene: RPS20 (ribosomal protein S20; minus strand). Cytogenetic location: 8q12.1.
Variant type: single nucleotide variant.
Coding change: c.46G>A on transcript NM_001023.4 (MANE Select); coding-DNA position 46, G replaced by A.
Protein change: p.Ala16Thr; replaces alanine 16 with threonine.
Molecular consequence: missense variant.
Genome position (GRCh38, 1-based): chr8:56,074,117, C>T on the plus strand (G>A on the coding strand, the complement: RPS20 is on the minus strand). VCF-style: chr8-56074117-C-T. GRCh37 (hg19) VCF-style: chr8-56986676-C-T.
Other names: c.46G>A, p.Ala16Thr (NM_001146227.3); short protein forms A16T.
Identifiers: ClinVar variation 1742540 (VCV001742540.3), dbSNP rs2486985473, ClinGen allele CA371283943.

ClinVar aggregate classification (germline): Uncertain significance. Review status: criteria provided, multiple submitters, no conflicts (2 of 4 stars). 2 submissions from 2 submitters: Uncertain significance (2). Last evaluated 2024-02-06.

Allele frequency attached by ClinVar (database versions not stated): gnomAD exomes below 0.00001.
gnomAD v4.1: 3 of 1,613,666 alleles (0.00019%); highest among the groups gnomAD compares: Non-Finnish European, 0.00025%; no homozygotes.

Submissions (2):

Ambry Genetics
Classification: Uncertain significance. Last evaluated: 2024-02-06. Review status: criteria provided, single submitter. Criteria: Ambry Variant Classification Scheme 2023. Collection method: clinical testing. Allele origin: germline.
Comment: The p.A16T variant (also known as c.46G>A), located in coding exon 2 of the RPS20 gene, results from a G to A substitution at nucleotide position 46. The alanine at codon 16 is replaced by threonine, an amino acid with similar properties. This amino acid position is conserved. In addition, the in silico prediction for this alteration is inconclusive. Since supporting evidence is limited at this time, the clinical significance of this alteration remains unclear.

Blueprint Genetics
Classification: Uncertain significance. Last evaluated: 2023-05-23. Review status: criteria provided, single submitter. Criteria: ACMG Guidelines, 2015. Collection method: clinical testing. Allele origin: germline.